The following is an entry in ClinVar:

ClinVar aggregate classification (germline): Uncertain significance. Review status: criteria provided, multiple submitters, no conflicts (2 of 4 stars). 3 submissions from 3 submitters: Uncertain significance (3). Last evaluated 2025-01-14.

Conditions:
CTNNA3-related disorder. Also called: CTNNA3-related condition.
Arrhythmogenic right ventricular dysplasia 13. Also called: ARRHYTHMOGENIC RIGHT VENTRICULAR CARDIOMYOPATHY 13; Arrhythmogenic right ventricular dysplasia, familial, 13. Identifiers: MedGen C3810138, MONDO:0000908, OMIM 615616.

gnomAD v4.1: 13 of 1,613,854 alleles (0.00081%); highest among the groups gnomAD compares: Non-Finnish European, 0.0011%; no homozygotes.

Submissions (3):

PreventionGenetics, part of Exact Sciences
Classification: Uncertain significance for CTNNA3-related condition. Last evaluated: 2025-01-14. Review status: criteria provided, single submitter. Criteria: ACMG Guidelines, 2015. Collection method: clinical testing. Allele origin: germline.
Comment: The CTNNA3 c.654G>T variant is predicted to result in the amino acid substitution p.Leu218Phe. To our knowledge, this variant has not been reported in the literature or in a large population database (gnomAD), indicating this variant is rare. At this time, the clinical significance of this variant is uncertain due to the absence of conclusive functional and genetic evidence.

Ambry Genetics
Classification: Uncertain significance. Last evaluated: 2024-11-03. Review status: criteria provided, single submitter. Criteria: Ambry Variant Classification Scheme 2023. Collection method: clinical testing. Allele origin: germline.
Comment: The p.L218F variant (also known as c.654G>T), located in coding exon 5 of the CTNNA3 gene, results from a G to T substitution at nucleotide position 654. The leucine at codon 218 is replaced by phenylalanine, an amino acid with highly similar properties. This amino acid position is conserved. In addition, the in silico prediction for this alteration is inconclusive. Based on the available evidence, the clinical significance of this variant remains unclear.

Labcorp Genetics (formerly Invitae), Labcorp
Classification: Uncertain significance for Arrhythmogenic right ventricular dysplasia 13. Last evaluated: 2024-10-10. Review status: criteria provided, single submitter. Criteria: Invitae Variant Classification Sherloc (09022015). Collection method: clinical testing. Allele origin: germline.
Comment: This sequence change replaces leucine, which is neutral and non-polar, with phenylalanine, which is neutral and non-polar, at codon 218 of the CTNNA3 protein (p.Leu218Phe). This variant is not present in population databases (gnomAD no frequency). This variant has not been reported in the literature in individuals affected with CTNNA3-related conditions. ClinVar contains an entry for this variant (Variation ID: 565676). Invitae Evidence Modeling of protein sequence and biophysical properties (such as structural, functional, and spatial information, amino acid conservation, physicochemical variation, residue mobility, and thermodynamic stability) indicates that this missense variant is expected to disrupt CTNNA3 protein function with a positive predictive value of 80%. In summary, the available evidence is currently insufficient to determine the role of this variant in disease. Therefore, it has been classified as a Variant of Uncertain Significance.

NM_013266.4(CTNNA3):c.654G>T (p.Leu218Phe)

Gene: CTNNA3 (catenin alpha 3; minus strand). Cytogenetic location: 10q21.3.
Variant type: single nucleotide variant.
Coding change: c.654G>T on transcript NM_013266.4 (MANE Select); coding-DNA position 654, G replaced by T.
Protein change: p.Leu218Phe; replaces leucine 218 with phenylalanine.
Molecular consequence: missense variant.
Genome position (GRCh38, 1-based): chr10:67,219,796, C>A on the plus strand (G>T on the coding strand, the complement: CTNNA3 is on the minus strand). VCF-style: chr10-67219796-C-A. GRCh37 (hg19) VCF-style: chr10-68979554-C-A.
Other names: c.654G>T (NM_013266.2); c.654G>T, p.Leu218Phe (NM_001127384.3); c.690G>T, p.Leu230Phe (NM_001291133.2); short protein forms L218F, L230F.
Identifiers: ClinVar variation 565676 (VCV000565676.10), dbSNP rs371330302, ClinGen allele CA209100047.